The following is an entry in ClinVar:

ClinVar aggregate classification (germline): Uncertain significance (1 of 4 stars; one submission).

gnomAD v4.1: 2 of 1,555,604 alleles (0.00013%); highest among the groups gnomAD compares: Non-Finnish European, 0.00017%; no homozygotes.

Submission:

Labcorp Genetics (formerly Invitae), Labcorp
Classification: Uncertain significance. Last evaluated: 2025-10-08. Review status: criteria provided, single submitter. Criteria: Invitae Variant Classification Sherloc (09022015). Collection method: clinical testing. Allele origin: germline.
Comment: This sequence change replaces methionine, which is neutral and non-polar, with threonine, which is neutral and polar, at codon 67 of the SLC51B protein (p.Met67Thr). This variant is not present in population databases (gnomAD no frequency). This variant has not been reported in the literature in individuals affected with SLC51B-related conditions. An algorithm developed to predict the effect of missense changes on protein structure and function outputs the following: PolyPhen-2: "Benign". The threonine amino acid residue is found in multiple mammalian species, which suggests that this missense change does not adversely affect protein function. In summary, the available evidence is currently insufficient to determine the role of this variant in disease. Therefore, it has been classified as a Variant of Uncertain Significance.

NM_178859.4(SLC51B):c.200T>C (p.Met67Thr)

Genes: RASL12 (RAS like family 12; minus strand), SLC51B (SLC51 subunit beta; plus strand). Cytogenetic location: 15q22.31.
Variant type: single nucleotide variant.
Coding change: c.200T>C on transcript NM_178859.4 (MANE Select); coding-DNA position 200, T replaced by C.
Protein change: p.Met67Thr; replaces methionine 67 with threonine.
Molecular consequence: missense variant.
Genome position (GRCh38, 1-based): chr15:65,052,977, T>C. VCF-style: chr15-65052977-T-C. GRCh37 (hg19) VCF-style: chr15-65345315-T-C.
Other names: short protein forms M67T.
Identifiers: ClinVar variation 4769696 (VCV004769696.1).